The following is an entry in ClinVar:

ClinVar aggregate classification (germline): Pathogenic/Likely pathogenic. Review status: criteria provided, multiple submitters, no conflicts (2 of 4 stars). 9 submissions from 9 submitters: Pathogenic (4); Likely pathogenic (4). 1 of the submissions does not count toward it. Last evaluated 2026-01-19.

Conditions:
Hereditary hyperinsulinism.
Leucine-induced hypoglycemia (LIH). Also called: LEUCINE-SENSITIVE HYPOGLYCEMIA OF INFANCY. Identifiers: MedGen C0271714, MONDO:0009415, OMIM 240800.
Hyperinsulinemic hypoglycemia, familial, 1 (HHF1). Also called: NESIDIOBLASTOSIS OF PANCREAS; Persistent hyperinsulinemic hypoglycemia of infancy; Persistent Hyperinsulinemia Hypoglycemia of Infancy; HYPERINSULINISM, FAMILIAL, WITH PANCREATIC NESIDIOBLASTOSIS; HYPOGLYCEMIA, HYPERINSULINEMIC, OF INFANCY. Identifiers: Orphanet 276575, Orphanet 276598, MedGen C2931832, MONDO:0009734, OMIM 256450.
Diabetes mellitus, transient neonatal, 2 (TNDM2). Identifiers: Orphanet 99886, MedGen C1835887, MONDO:0012480, OMIM 610374. Disease mechanism: loss of function.
Diabetes mellitus, permanent neonatal 3. Also called: ABCC8-Related Permanent Neonatal Diabetes Mellitus. Identifiers: MedGen C5394303, MONDO:0030088, OMIM 618857.
Type 2 diabetes mellitus. Also called: Type II diabetes mellitus. Identifiers: MedGen C0011860, MeSH D003924, MONDO:0005148, OMIM 125853, HP:0005978.
ABCC8-related disorder.

Allele frequency attached by ClinVar (database versions not stated): gnomAD 0.00001; gnomAD exomes 0.00001 and 0.00002; ExAC 0.00002; TOPMed 0.00002.
gnomAD v4.1: 24 of 1,587,372 alleles (0.0015%); highest among the groups gnomAD compares: Non-Finnish European, 0.0019%; no homozygotes.

Submissions (9):

Labcorp Genetics (formerly Invitae), Labcorp
Classification: Pathogenic. Last evaluated: 2026-01-19. Review status: criteria provided, single submitter. Criteria: Invitae Variant Classification Sherloc (09022015). Collection method: clinical testing. Allele origin: germline.
Comment: This sequence change replaces leucine, which is neutral and non-polar, with proline, which is neutral and non-polar, at codon 1543 of the ABCC8 protein (p.Leu1543Pro). This variant is present in population databases (rs72559713, gnomAD 0.003%). This missense change has been observed in individual(s) with clinical features of autosomal recessive diffuse or paternally inherited focal hyperinsulinism (PMID: 11867634, 15562009, 23275527). In at least one individual the data is consistent with being in trans (on the opposite chromosome) from a pathogenic variant. This variant is also known as Leu1544Pro. ClinVar contains an entry for this variant (Variation ID: 188836). Invitae Evidence Modeling of protein sequence and biophysical properties (such as structural, functional, and spatial information, amino acid conservation, physicochemical variation, residue mobility, and thermodynamic stability) has been performed for this missense variant. However, the output from this modeling did not meet the statistical confidence thresholds required to predict the impact of this variant on ABCC8 protein function. Experimental studies have shown that this missense change affects ABCC8 function (PMID: 11867634). For these reasons, this variant has been classified as Pathogenic.

Natera, Inc.
Classification: Pathogenic for Hereditary hyperinsulinism. Last evaluated: 2025-10-15. Review status: criteria provided, single submitter. Criteria: Natera Variant Classification Schema (03/2026). Collection method: clinical testing. Allele origin: germline.
Comment: The c.4628T>C variant in ABCC8 is a missense variant predicted to cause substitution of leucine to proline at amino acid 1543. This variant is rare in the general population with a frequency below the threshold expected for the associated phenotype(s). This variant has been observed in one or more individuals affected with the associated recessive disease, as either homozygous or compound heterozygous with a second variant (PMID: 11867634, 31997554, 15562009, 23275527). Functional studies show that this variant may disrupt protein function (PMID: 11867634). Computational prediction algorithms indicate this variant is likely to affect gene or protein function. Given the available evidence, this variant is classified as Pathogenic.

Blueprint Genetics
Classification: Likely pathogenic for ABCC8-related disorders. Last evaluated: 2024-10-04. Review status: criteria provided, single submitter. Criteria: ACMG Guidelines, 2015. Collection method: clinical testing. Allele origin: germline. Affected: yes. Observed: 1 variant allele.

Fulgent Genetics
Classification: Pathogenic for Type 2 diabetes mellitus; Leucine-induced hypoglycemia; Hyperinsulinemic hypoglycemia, familial, 1; Diabetes mellitus, transient neonatal, 2; Diabetes mellitus, permanent neonatal 3. Last evaluated: 2024-06-15. Review status: criteria provided, single submitter. Criteria: ACMG Guidelines, 2015. Collection method: clinical testing. Allele origin: germline.

Baylor Genetics
Classification: Pathogenic for Type 2 diabetes mellitus. Last evaluated: 2023-09-12. Review status: criteria provided, single submitter. Criteria: ACMG Guidelines, 2015. Collection method: clinical testing. Allele origin: unknown.

Broad Center for Mendelian Genomics, Broad Institute of MIT and Harvard
Classification: Likely pathogenic for Hyperinsulinemic hypoglycemia, familial, 1. Last evaluated: 2023-08-16. Review status: criteria provided, single submitter. Criteria: ACMG Guidelines, 2015. Collection method: curation. Allele origin: germline. Inheritance: Autosomal recessive inheritance.
Comment: The p.Leu1543Pro variant in ABCC8 has been reported in at least 7 individuals with hyperinsulinemic hypoglycemia (PMID: 17378627, 15562009, 31997554, 23275527, 11867634) and has been identified in 0.003% (3/251104) of European (non-Finnish) chromosomes by the Genome Aggregation Database (gnomAD; dbSNP ID: rs72559713). Although this variant has been seen in the general population in a heterozygous state, its frequency is low enough to be consistent with a recessive carrier frequency. This variant has also been reported in ClinVar (Variation ID#: 188836) and has been interpreted as likely pathogenic or pathogenic by Counsyl, Invitae, Genetic Services Laboratory (University of Chicago), and Natera Inc. Of the 7 affected individuals, 2 were compound heterozygotes that carried a pathogenic variant in trans. This increases the likelihood that the p.Leu1543Pro variant is pathogenic (VariationID: 370604; PMID: 17378627, 31997554). In vitro functional studies provide some evidence that the p.Leu1543Pro variant may impact protein function (PMID: 11867634). However, these types of assays may not accurately represent biological function. Computational prediction tools and conservation analyses suggest that this variant may impact the protein, though this information is not predictive enough to determine pathogenicity. In summary, although additional studies are required to fully establish its clinical significance, this variant is likely pathogenic for autosomal recessive hyperinsulinemic hypoglycemia. ACMG/AMP Criteria applied: PM3_strong, PS3_moderate, PP3, PM2_supporting (Richards 2015).

PreventionGenetics, part of Exact Sciences
Classification: Likely pathogenic for ABCC8-related condition. Last evaluated: 2022-08-23. Review status: criteria provided, single submitter. Criteria: ACMG Guidelines, 2015. Collection method: clinical testing. Allele origin: germline.
Comment: The ABCC8 c.4628T>C variant is predicted to result in the amino acid substitution p.Leu1543Pro. This variant is located in the C-loop2 domain which is a interaction surface for intracellular partners (Kelly L et al 2010. PubMed ID: 20799350). This variant, also known as p.Leu1544Pro, has been reported along with a second pathogenic variant in ABCC8 in several individuals with hyperinsulinism (Taschenberger G et al 2002. PubMed ID: 11867634; Henwood MJ et al 2004. PubMed ID: 15562009; Snider KE et al 2012. PubMed ID: 23275527; ). Functional studies showed that this variant interferes with normal trafficking of KATP channels (Taschenberger G et al 2002. PubMed ID: 11867634). This variant is reported in 0.0026% of alleles in individuals of European (Non-Finnish) descent in gnomAD. This variant is interpreted as likely pathogenic.

Genetic Services Laboratory, University of Chicago
Classification: Likely pathogenic for Hyperinsulinemic hypoglycemia, familial, 1. Last evaluated: 2015-11-09. Review status: criteria provided, single submitter. Criteria: ACMG Guidelines, 2015. Collection method: clinical testing. Allele origin: germline. Affected: yes.

Counsyl
Classification: Likely pathogenic for Persistent hyperinsulinemic hypoglycemia of infancy. Last evaluated: 2014-06-19. Review status: no assertion criteria provided. Collection method: literature only. Allele origin: unknown. Inheritance: Autosomal recessive inheritance. Not counted in ClinVar's aggregate classification.

Literature cited by the submitters: PubMed 11867634 (cited by 3 submitters); PubMed 15562009 (cited by 3 submitters); PubMed 23275527 (cited by Labcorp Genetics (formerly Invitae), Labcorp and Natera, Inc.); PubMed 31997554 (cited by Natera, Inc.); PubMed 20799350 (cited by Counsyl); PubMed 10204114 (cited by Counsyl); PubMed 17378627 (cited by Counsyl).

NM_000352.6(ABCC8):c.4628T>C (p.Leu1543Pro)

Gene: ABCC8 (ATP binding cassette subfamily C member 8; minus strand). Cytogenetic location: 11p15.1.
Variant type: single nucleotide variant.
Coding change: c.4628T>C on transcript NM_000352.6 (MANE Select); coding-DNA position 4628, T replaced by C.
Protein change: p.Leu1543Pro; replaces leucine 1543 with proline.
Molecular consequence: missense variant. On other transcripts: non-coding transcript variant (1).
Genome position (GRCh38, 1-based): chr11:17,393,109, A>G on the plus strand (T>C on the coding strand, the complement: ABCC8 is on the minus strand). VCF-style: chr11-17393109-A-G. GRCh37 (hg19) VCF-style: chr11-17414656-A-G.
Other names: NM_000352.6(ABCC8):c.4628T>C; c.4631T>C, p.Leu1544Pro (NM_001287174.3); c.4694T>C, p.Leu1565Pro (NM_001351295.2); c.4628T>C, p.Leu1543Pro (NM_001351296.2); c.4625T>C, p.Leu1542Pro (NM_001351297.2); short protein forms L1543P, L1544P, L1565P, L1542P.
Identifiers: ClinVar variation 188836 (VCV000188836.25), dbSNP rs72559713, ClinGen allele CA274017.